The following is an entry in ClinVar:

ClinVar aggregate classification (germline): Uncertain significance (1 of 4 stars; one submission).

Submission:

GeneDx
Classification: Uncertain significance. Last evaluated: 2013-09-30. Review status: criteria provided, single submitter. Criteria: GeneDx Variant Classification (06012015). Collection method: clinical testing. Allele origin: germline. Affected: yes.
Comment: p.Ala1154Val (GCC>GTC): c.3461 C>T in exon 27 of the CACNA1C gene (NM_000719.6). The Ala1154Val variant in the CACNA1C gene has not been reported as a disease-causing mutation or as a benign polymorphism to our knowledge. Although Ala1154Val results in a conservative amino acid substitution of one non-polar residue for another, the Ala1154 residue is conserved across species. In silico analysis predicts Ala1154Val is probably damaging to the protein structure/function. Furthermore, the Ala1154Val variant was not observed in approximately 6,500 individuals of European and African American ancestry in the NHLBI Exome Sequencing Project, indicating it is not a common benign variant in these populations. However, no mutations affecting nearby residues have been reported in association with LQTS, suggesting this region of the protein may be tolerant of change. With the clinical and molecular information available at this time, we cannot definitively determine if Ala1154Val is a disease-causing mutation or a rare benign variant. The variant is found in LQT panel(s).

NM_000719.7(CACNA1C):c.3461C>T (p.Ala1154Val)

Gene: CACNA1C (calcium voltage-gated channel subunit alpha1 C; plus strand). Cytogenetic location: 12p13.33.
Variant type: single nucleotide variant.
Coding change: c.3461C>T on transcript NM_000719.7 (MANE Select); coding-DNA position 3461, C replaced by T.
Protein change: p.Ala1154Val; replaces alanine 1154 with valine.
Molecular consequence: missense variant.
Genome position (GRCh38, 1-based): chr12:2,608,615, C>T. VCF-style: chr12-2608615-C-T. GRCh37 (hg19) VCF-style: chr12-2717781-C-T.
Other names: p.A1154V:GCC>GTC; c.3521C>T, p.Ala1174Val (NM_001129827.2, NM_001129832.2, NM_199460.4); c.3461C>T, p.Ala1154Val (NM_001129829.2, NM_001129830.3, NM_001129831.2 and 15 more transcripts); c.3452C>T, p.Ala1151Val (NM_001129844.2); short protein forms A1154V, A1174V, A1151V.
Identifiers: ClinVar variation 190660 (VCV000190660.2), dbSNP rs786205758, ClinGen allele CA301446.